The following is an entry in ClinVar:

ClinVar aggregate classification (germline): Likely benign. Review status: criteria provided, multiple submitters, no conflicts (2 of 4 stars). 3 submissions from 3 submitters: Likely benign (3). Last evaluated 2026-03-01.

Allele frequency attached by ClinVar (database versions not stated): TOPMed 0.00003; 1000 Genomes Project 30x 0.00016; gnomAD exomes 0.00002; ExAC 0.00003; 1000 Genomes Project 0.00020; gnomAD 0.00006.
gnomAD v4.1: 130 of 1,610,338 alleles (0.0081%); highest among the groups gnomAD compares: Non-Finnish European, 0.0096%; no homozygotes.

Submissions (3):

CeGaT Center for Human Genetics Tuebingen
Classification: Likely benign. Last evaluated: 2026-03-01. Review status: criteria provided, single submitter. Criteria: CeGaT Center For Human Genetics Tuebingen Variant Classification Criteria Version 2. Collection method: clinical testing. Allele origin: germline. Affected: yes. Observed: 1 variant allele.
Comment: TYMP: BP4, BP7

Labcorp Genetics (formerly Invitae), Labcorp
Classification: Likely benign. Last evaluated: 2026-01-19. Review status: criteria provided, single submitter. Criteria: Invitae Variant Classification Sherloc (09022015). Collection method: clinical testing. Allele origin: germline.

GeneDx
Classification: Likely benign. Last evaluated: 2017-03-08. Review status: criteria provided, single submitter. Criteria: GeneDx Variant Classification (06012015). Collection method: clinical testing. Allele origin: germline. Affected: yes.
Comment: This variant is considered likely benign or benign based on one or more of the following criteria: it is a conservative change, it occurs at a poorly conserved position in the protein, it is predicted to be benign by multiple in silico algorithms, and/or has population frequency not consistent with disease.

NM_001953.5(TYMP):c.1401C>T (p.Phe467=)

Genes: SCO2 (synthesis of cytochrome C oxidase 2; minus strand), TYMP (thymidine phosphorylase; minus strand), LOC130067862 (ATAC-STARR-seq lymphoblastoid silent region 13986; plus strand). Cytogenetic location: 22q13.33.
Variant type: single nucleotide variant.
Coding change: c.1401C>T on transcript NM_001953.5 (MANE Select); coding-DNA position 1401, C replaced by T.
Protein change: p.Phe467=; no amino-acid change (phenylalanine 467 retained).
Molecular consequence: synonymous variant. On other transcripts: intron variant (2).
Genome position (GRCh38, 1-based): chr22:50,525,818, G>A on the plus strand (C>T on the coding strand, the complement: TYMP is on the minus strand). VCF-style: chr22-50525818-G-A. GRCh37 (hg19) VCF-style: chr22-50964247-G-A.
Other names: c.1401C>T, p.Phe467= (NM_001113755.3, NM_001113756.3, NM_001257988.1); c.1416C>T, p.Phe472= (NM_001257989.1); c.-14+428C>T (NM_001169109.2); c.-14+183C>T (NM_001169110.1).
Identifiers: ClinVar variation 223011 (VCV000223011.12), dbSNP rs1061205, ClinGen allele CA10321410.